The following is an entry in ClinVar:

ClinVar aggregate classification (germline): Likely benign (1 of 4 stars; one submission).

Conditions:
GSN-related disorder. Also called: GSN-related condition.

gnomAD v4.1: 50 of 1,267,224 alleles (0.0039%); highest among the groups gnomAD compares: Middle Eastern, 0.15%; no homozygotes.

Submission:

PreventionGenetics, part of Exact Sciences
Classification: Likely benign for GSN-related condition. Last evaluated: 2026-08-25. Review status: criteria provided, single submitter. Criteria: ACMG Guidelines, 2015. Collection method: clinical testing. Allele origin: germline.
Comment: This variant is classified as likely benign based on ACMG/AMP sequence variant interpretation guidelines (Richards et al. 2015 PMID: 25741868, with internal and published modifications).

NM_198252.3(GSN):c.-10+909G>A

Genes: GSN (gelsolin; plus strand), GSN-AS1 (GSN antisense RNA 1; minus strand), LOC126860752 (CDK7 strongly-dependent group 2 enhancer GRCh37_chr9:124043752-124044951; plus strand). Cytogenetic location: 9q33.2.
Variant type: single nucleotide variant.
Coding change: c.-10+909G>A on transcript NM_198252.3 (MANE Select); 909 bases into the intron after 10 bases upstream of the start codon, G replaced by A.
Molecular consequence: intron variant. On other transcripts: missense variant (1), 5 prime UTR variant (5), non-coding transcript variant (1).
Genome position (GRCh38, 1-based): chr9:121,282,471, G>A. VCF-style: chr9-121282471-G-A. GRCh37 (hg19) VCF-style: chr9-124044749-G-A.
Other names: c.20G>A, p.Arg7His (NM_001127663.2); c.-81G>A (NM_001353056.2, NM_001353059.2); c.-118G>A (NM_001353068.2, NM_001353073.2); c.-127G>A (NM_001353072.2); c.-10+909G>A (NM_001353054.1, NM_001353053.1, NM_001353060.2 and 2 more transcripts); c.-48+909G>A (NM_001353064.2, NM_001353066.2, NM_001353076.2 and 1 more transcripts); c.-2+909G>A (NM_001353058.2, NM_001353057.2); c.-39+518G>A (NM_001353065.2); and 12 more; short protein forms R7H.
Identifiers: ClinVar variation 4980229 (VCV004980229.1).